The following is an entry in ClinVar:

NM_000478.6(ALPL):c.734C>T (p.Thr245Met)

Gene: ALPL (alkaline phosphatase, biomineralization associated; plus strand). Cytogenetic location: 1p36.12.
Variant type: single nucleotide variant.
Coding change: c.734C>T on transcript NM_000478.6 (MANE Select); coding-DNA position 734, C replaced by T.
Protein change: p.Thr245Met; replaces threonine 245 with methionine.
Molecular consequence: missense variant.
Genome position (GRCh38, 1-based): chr1:21,568,189, C>T. VCF-style: chr1-21568189-C-T. GRCh37 (hg19) VCF-style: chr1-21894682-C-T.
Other names: c.569C>T, p.Thr190Met (NM_001127501.4); c.503C>T, p.Thr168Met (NM_001177520.3); c.734C>T, p.Thr245Met (NM_001369803.2, NM_001369804.2, NM_001369805.2); c.734C>T (NM_000478.5); short protein forms T245M, T168M, T190M.
Identifiers: ClinVar variation 286903 (VCV000286903.16), dbSNP rs142608957, ClinGen allele CA666590.

ClinVar aggregate classification (germline): Uncertain significance. Review status: criteria provided, multiple submitters, no conflicts (2 of 4 stars). 9 submissions from 9 submitters: Uncertain significance (8). 1 of the submissions does not count toward it. Last evaluated 2026-01-06.

Conditions:
Hypophosphatasia. Also called: Phosphoethanol-aminuria. Identifiers: Orphanet 436, MedGen C0020630, MeSH D007014, MONDO:0018570.
Childhood hypophosphatasia. Identifiers: Orphanet 247667, Orphanet 436, MedGen C0220743, MONDO:1010168, OMIM 241510, MONDO:0009428.
Infantile hypophosphatasia. Identifiers: Orphanet 247651, Orphanet 436, MedGen C0268412, MONDO:1010169, OMIM 241500, MONDO:0009427.
Adult hypophosphatasia. Identifiers: Orphanet 247676, Orphanet 436, MedGen C0268413, MONDO:1010154, OMIM 146300, MONDO:0007798.
ALPL-related disorder. Also called: ALPL-related disorders; ALPL-related condition.

Allele frequency attached by ClinVar (database versions not stated): TOPMed 0.00008; ExAC 0.00009; gnomAD 0.00009; gnomAD exomes 0.00010; ESP Exome Variant Server 0.00023.
gnomAD v4.1: 253 of 1,613,874 alleles (0.016%); highest among the groups gnomAD compares: Non-Finnish European, 0.02%; 1 homozygote.

Submissions (9):

PreventionGenetics, part of Exact Sciences
Classification: Uncertain significance for ALPL-related condition. Last evaluated: 2026-01-06. Review status: criteria provided, single submitter. Criteria: ACMG Guidelines, 2015. Collection method: clinical testing. Allele origin: germline.
Comment: The ALPL c.734C>T variant is predicted to result in the amino acid substitution p.Thr245Met. This variant has been reported in the heterozygous state in at least one child who was biochemically suspected with hypophosphatasia (Noda et al. 2025. PubMed ID: 39925621; Supplementary table, Mornet et al. 2021. PubMed ID: 32973344), and has also been reported in one individual with osteogenesis imperfecta who carried a homozygous CRTAP variant (Sperelakis-Beedham et al. 2021. PubMed ID: 33549410). Functional studies suggest that this variant reduces ALPL enzyme activity to approximately 59.3% of wild-type activity (Table S1, Del Angel et al. 2020. PubMed ID: 32160374). This variant is reported in 0.017% of alleles in individuals of European (non-Finnish) descent in gnomAD. At this time, the clinical significance of this variant is uncertain due to the absence of conclusive functional and genetic evidence.

Labcorp Genetics (formerly Invitae), Labcorp
Classification: Uncertain significance. Last evaluated: 2025-12-26. Review status: criteria provided, single submitter. Criteria: Invitae Variant Classification Sherloc (09022015). Collection method: clinical testing. Allele origin: germline.
Comment: This sequence change replaces threonine, which is neutral and polar, with methionine, which is neutral and non-polar, at codon 245 of the ALPL protein (p.Thr245Met). This variant is present in population databases (rs142608957, gnomAD 0.02%). This missense change has been observed in individual(s) with clinical suspicion of hypophosphatasia (PMID: 39983296). ClinVar contains an entry for this variant (Variation ID: 286903). Invitae Evidence Modeling of protein sequence and biophysical properties (such as structural, functional, and spatial information, amino acid conservation, physicochemical variation, residue mobility, and thermodynamic stability) indicates that this missense variant is expected to disrupt ALPL protein function with a positive predictive value of 95%. Experimental studies have shown that this missense change affects ALPL function (PMID: 32160374). In summary, the available evidence is currently insufficient to determine the role of this variant in disease. Therefore, it has been classified as a Variant of Uncertain Significance.

Genomenon, Inc
Classification: Uncertain significance for Hypophosphatasia. Last evaluated: 2025-08-29. Review status: criteria provided, single submitter. Criteria: Genomenon Sequence Variant Interpretation Standards. Collection method: curation. Allele origin: germline. Affected: yes.
Comment: ALPL c.734C>T is a missense variant that changes the amino acid at residue 245 from Threonine to Methionine. This variant has been observed in a proband affected with hypophosphatasia (PMID:32973344). Functional studies have been reported;however, the significance of the findings remain unclear (PMID:32160374). It is absent or not present at a significant frequency in gnomAD. In silico models agree that this variant is possibly or probably damaging. In conclusion, we classify ALPL p.Thr245Met (c.734C>T) as a variant of unknown significance.

Myriad Genetics, Inc.
Classification: Uncertain significance for Hypophosphatasia. Last evaluated: 2025-07-28. Review status: criteria provided, single submitter. Criteria: Myriad Autosomal Dominant, Autosomal Recessive and X-Linked Classification Criteria (2023). Collection method: clinical testing. Allele origin: unknown.
Comment: NM_000478.4(ALPL):c.734C>T(T245M) is a missense variant classified as a variant of uncertain significance in the context of hypophosphatasia. T245M has been observed in cases with relevant disease (PMID: 33549410, 32973344, 39983296). Relevant functional assessments of this variant are available in the literature (PMID: 32160374). T245M has been observed in referenced population frequency databases. In summary, there is insufficient evidence to classify NM_000478.4(ALPL):c.734C>T(T245M) as pathogenic or benign. Please note: this variant was assessed in the context of healthy population screening.

Fulgent Genetics
Classification: Uncertain significance for Adult hypophosphatasia; Infantile hypophosphatasia; Childhood hypophosphatasia. Last evaluated: 2024-01-20. Review status: criteria provided, single submitter. Criteria: ACMG Guidelines, 2015. Collection method: clinical testing. Allele origin: germline.

Department of Pathology and Laboratory Medicine, Sinai Health System
Classification: Uncertain significance for Adult hypophosphatasia; Childhood hypophosphatasia; Infantile hypophosphatasia. Last evaluated: 2022-11-03. Review status: criteria provided, single submitter. Criteria: ACMG Guidelines, 2015. Collection method: research. Allele origin: germline.

GeneDx
Classification: Uncertain significance. Last evaluated: 2021-03-29. Review status: criteria provided, single submitter. Criteria: GeneDx Variant Classification Process June 2021. Collection method: clinical testing. Allele origin: germline. Affected: yes.
Comment: Observed in a fetus evaluated for prenatal hypophosphatasia; however, the patient's postnatal findings were consistent with OI and a homozygous variant in the CRTAP gene was identified (Sperelakis-Beedham et al., 2021); In silico analysis supports that this missense variant does not alter protein structure/function; This variant is associated with the following publications: (PMID: 32973344, 33549410)

Eurofins Ntd Llc (ga)
Classification: Uncertain significance. Last evaluated: 2016-03-16. Review status: criteria provided, single submitter. Criteria: EGL Classification Definitions 2015. Collection method: clinical testing. Allele origin: germline. Observed: 1 variant allele, 1 heterozygote.

Natera, Inc.
Classification: Uncertain significance for Hypophosphatasia. Last evaluated: 2019-10-28. Review status: no assertion criteria provided. Collection method: clinical testing. Allele origin: germline. Not counted in ClinVar's aggregate classification.

Literature cited by the submitters: PubMed 39983296 (cited by Labcorp Genetics (formerly Invitae), Labcorp and Myriad Genetics, Inc.); PubMed 32160374 (cited by 3 submitters); PubMed 32973344 (cited by Genomenon, Inc and Myriad Genetics, Inc.); PubMed 33549410 (cited by Myriad Genetics, Inc.).